The following is an entry in ClinVar:

ClinVar aggregate classification (germline): Pathogenic (1 of 4 stars; one submission).

Submission:

Labcorp Genetics (formerly Invitae), Labcorp
Classification: Pathogenic. Last evaluated: 2022-06-13. Review status: criteria provided, single submitter. Criteria: Invitae Variant Classification Sherloc (09022015). Collection method: clinical testing. Allele origin: germline.
Comment: For these reasons, this variant has been classified as Pathogenic. This variant has not been reported in the literature in individuals affected with HTRA1-related conditions. This variant is a gross deletion of the genomic region encompassing exon(s) 2-3 of the HTRA1 gene. This deletion is out-of-frame, and is expected to create a premature termination codon and result in an absent or disrupted protein product. Loss-of-function variants in HTRA1 are known to be pathogenic (PMID: 19387015, 29895533).

Literature cited by the submitters: PubMed 19387015; PubMed 29895533.

NC_000010.10:g.(?_124248398)_(124249162_?)del

Gene: HTRA1 (HtrA serine peptidase 1; plus strand). Cytogenetic location: 10q26.13.
Variant type: Deletion.
Identifiers: ClinVar variation 2424539 (VCV002424539.4).